The following is an entry in ClinVar:

NM_001174150.2(ARL13B):c.1133C>T (p.Pro378Leu)

Gene: ARL13B (ARF like GTPase 13B; plus strand). Cytogenetic location: 3q11.2.
Variant type: single nucleotide variant.
Coding change: c.1133C>T on transcript NM_001174150.2 (MANE Select); coding-DNA position 1133, C replaced by T.
Protein change: p.Pro378Leu; replaces proline 378 with leucine.
Molecular consequence: missense variant. On other transcripts: non-coding transcript variant (2).
Genome position (GRCh38, 1-based): chr3:94,049,514, C>T. VCF-style: chr3-94049514-C-T. GRCh37 (hg19) VCF-style: chr3-93768358-C-T.
Other names: c.1133C>T (NM_182896.2); c.824C>T, p.Pro275Leu (NM_001174151.2); c.1088C>T, p.Pro363Leu (NM_001321328.2); c.812C>T, p.Pro271Leu (NM_144996.4); c.1133C>T, p.Pro378Leu (NM_182896.3); short protein forms P378L, P271L, P275L, P363L.
Identifiers: ClinVar variation 634457 (VCV000634457.6), dbSNP rs1385061611, ClinGen allele CA353679569.
Genomic context (GRCh38, chr3:94,049,514, plus strand): 5'-GGGTAGAACCACTTAATATAGATGACTGTGCTCCTGAGAGTCCAACGCCACCCCCACCCC[C>T]TCCTCCTGGTGAGTAAATTGATACTGATACTGAATTTAGAAATATTGCTTTAAACAACAG-3'
Protein context (NP_001167621.1, residues 368-388): APESPTPPPP[Pro378Leu]PPVGWGTPKV

ClinVar aggregate classification (germline): Uncertain significance. Review status: criteria provided, multiple submitters, no conflicts (2 of 4 stars). 3 submissions from 3 submitters: Uncertain significance (3). Last evaluated 2025-02-21.

Conditions:
Joubert syndrome 8 (JBTS8). Identifiers: Orphanet 475, MedGen C2676771, MONDO:0012855, OMIM 612291.
ARL13B-related disorder. Also called: ARL13B-related condition.

Allele frequency attached by ClinVar (database versions not stated): gnomAD 0.00001; TOPMed below 0.00001.
gnomAD v4.1: 4 of 1,598,288 alleles (0.00025%); highest among the groups gnomAD compares: Admixed American, 0.0017%; no homozygotes.

Submissions (3):

PreventionGenetics, part of Exact Sciences
Classification: Uncertain significance for ARL13B-related condition. Last evaluated: 2025-02-21. Review status: criteria provided, single submitter. Criteria: ACMG Guidelines, 2015. Collection method: clinical testing. Allele origin: germline.
Comment: The ARL13B c.1133C>T variant is predicted to result in the amino acid substitution p.Pro378Leu. To our knowledge, this variant has not been reported in the literature or a large population database (gnomad) indicating this variant is rare. At this time, the clinical significance of this variant is uncertain due to the absence of conclusive functional and genetic evidence.

Genomic Research Center, Shahid Beheshti University of Medical Sciences
Classification: Uncertain significance for Joubert syndrome 8. Last evaluated: 2019-01-01. Review status: criteria provided, single submitter. Criteria: ACMG Guidelines, 2015. Collection method: research. Allele origin: unknown. Affected: no. Observed: 1 variant allele.

Breakthrough Genomics
Classification: Uncertain significance. Review status: criteria provided, single submitter. Criteria: ACMG Guidelines, 2015. Collection method: not provided. Allele origin: germline. Inheritance: Autosomal recessive inheritance. Affected: yes.